The following is an entry in ClinVar:

NM_001563.4(IMPG1):c.1789G>A (p.Glu597Lys)

Gene: IMPG1 (interphotoreceptor matrix proteoglycan 1; minus strand). Cytogenetic location: 6q14.1.
Variant type: single nucleotide variant.
Coding change: c.1789G>A on transcript NM_001563.4 (MANE Select); coding-DNA position 1789, G replaced by A.
Protein change: p.Glu597Lys; replaces glutamic acid 597 with lysine.
Molecular consequence: missense variant.
Genome position (GRCh38, 1-based): chr6:75,950,597, C>T on the plus strand (G>A on the coding strand, the complement: IMPG1 is on the minus strand). VCF-style: chr6-75950597-C-T. GRCh37 (hg19) VCF-style: chr6-76660314-C-T.
Other names: c.1555G>A, p.Glu519Lys (NM_001282368.2); short protein forms E597K, E519K.
Identifiers: ClinVar variation 3675102 (VCV003675102.3).

ClinVar aggregate classification (germline): Uncertain significance. Review status: criteria provided, multiple submitters, no conflicts (2 of 4 stars). 2 submissions from 2 submitters: Uncertain significance (2). Last evaluated 2024-07-23.

gnomAD v4.1: 6 of 1,612,996 alleles (0.00037%); highest among the groups gnomAD compares: Middle Eastern, 0.033%; no homozygotes.

Submissions (2):

Labcorp Genetics (formerly Invitae), Labcorp
Classification: Uncertain significance. Last evaluated: 2024-07-23. Review status: criteria provided, single submitter. Criteria: Invitae Variant Classification Sherloc (09022015). Collection method: clinical testing. Allele origin: germline.
Comment: This sequence change replaces glutamic acid, which is acidic and polar, with lysine, which is basic and polar, at codon 597 of the IMPG1 protein (p.Glu597Lys). The frequency data for this variant in the population databases is considered unreliable, as metrics indicate poor data quality at this position in the gnomAD database. This variant has not been reported in the literature in individuals affected with IMPG1-related conditions. An algorithm developed to predict the effect of missense changes on protein structure and function (PolyPhen-2) suggests that this variant is likely to be disruptive. In summary, the available evidence is currently insufficient to determine the role of this variant in disease. Therefore, it has been classified as a Variant of Uncertain Significance.

Blueprint Genetics
Classification: Uncertain significance. Last evaluated: 2020-09-01. Review status: criteria provided, single submitter. Criteria: ACMG Guidelines, 2015. Collection method: clinical testing. Allele origin: germline.